The following is an entry in ClinVar:

ClinVar aggregate classification (germline): Conflicting classifications of pathogenicity. Review status: criteria provided, conflicting classifications (1 of 4 stars). 2 submissions from 2 submitters: Uncertain significance (1); Likely benign (1). Last evaluated 2026-01-25.

Allele frequency attached by ClinVar (database versions not stated): TOPMed 0.00002; gnomAD 0.00005; gnomAD exomes 0.00013 and 0.00028; ExAC 0.00034; 1000 Genomes Project 30x 0.00062; 1000 Genomes Project 0.00080.
gnomAD v4.1: 197 of 1,614,060 alleles (0.012%); highest among the groups gnomAD compares: South Asian, 0.2%; 1 homozygote.

Submissions (2):

Labcorp Genetics (formerly Invitae), Labcorp
Classification: Likely benign. Last evaluated: 2026-01-25. Review status: criteria provided, single submitter. Criteria: Invitae Variant Classification Sherloc (09022015). Collection method: clinical testing. Allele origin: germline.

Women's Health and Genetics/Laboratory Corporation of America, LabCorp
Classification: Uncertain significance. Last evaluated: 2023-04-05. Review status: criteria provided, single submitter. Criteria: LabCorp Variant Classification Summary - May 2015. Collection method: clinical testing. Allele origin: germline.
Comment: Variant summary: CEP152 c.3671A>G (p.Asp1224Gly) results in a non-conservative amino acid change in the encoded protein sequence. Five of five in-silico tools predict a damaging effect of the variant on protein function. The variant allele was found at a frequency of 0.00028 in 249396 control chromosomes, predominantly at a frequency of 0.0023 within the South Asian subpopulation in the gnomAD database. The variant, c.3671A>G (aka c.3839A>G / p.Asp1280Gly), has been reported in the literature in a compound heterozygous individual affected with neurological disorder (van der Ven_2021), however no phenotype details were provided, and this patient also carried a homozygous (likely) pathogenic variant in a different gene. This report therefore does not provide unequivocal conclusions about association of the variant with CEP152-Related Disorders. To our knowledge, no experimental evidence demonstrating an impact on protein function has been reported. One clinical diagnostic laboratory has submitted clinical-significance assessments for this variant to ClinVar after 2014 without evidence for independent evaluation, and classified the variant as likely benign. Based on the evidence outlined above, the variant was classified as uncertain significance.

Literature cited by the submitters: PubMed 34490615 (cited by Women's Health and Genetics/Laboratory Corporation of America, LabCorp).

NM_001194998.2(CEP152):c.3839A>G (p.Asp1280Gly)

Gene: CEP152 (centrosomal protein 152; minus strand). Cytogenetic location: 15q21.1.
Variant type: single nucleotide variant.
Coding change: c.3839A>G on transcript NM_001194998.2 (MANE Select); coding-DNA position 3839, A replaced by G.
Protein change: p.Asp1280Gly; replaces aspartic acid 1280 with glycine.
Molecular consequence: missense variant.
Genome position (GRCh38, 1-based): chr15:48,742,097, T>C on the plus strand (A>G on the coding strand, the complement: CEP152 is on the minus strand). VCF-style: chr15-48742097-T-C. GRCh37 (hg19) VCF-style: chr15-49034294-T-C.
Other names: c.3671A>G, p.Asp1224Gly (NM_014985.4); c.3671A>G (NM_014985.3); short protein forms D1224G, D1280G.
Identifiers: ClinVar variation 1593312 (VCV001593312.8), dbSNP rs539483307, ClinGen allele CA7548250.